The following is an entry in ClinVar:

NM_001111125.3(IQSEC2):c.21C>T (p.Pro7=)

Gene: IQSEC2 (IQ motif and Sec7 domain ArfGEF 2; minus strand). Cytogenetic location: Xp11.22.
Variant type: single nucleotide variant.
Coding change: c.21C>T on transcript NM_001111125.3 (MANE Select); coding-DNA position 21, C replaced by T.
Protein change: p.Pro7=; no amino-acid change (proline 7 retained).
Molecular consequence: synonymous variant.
Genome position (GRCh38, 1-based): chrX:53,321,103, G>A on the plus strand (C>T on the coding strand, the complement: IQSEC2 is on the minus strand). VCF-style: chrX-53321103-G-A. GRCh37 (hg19) VCF-style: chrX-53350301-G-A.
Other names: c.21C>T, p.Pro7= (NM_001410736.1).
Identifiers: ClinVar variation 1695302 (VCV001695302.31), dbSNP rs1556880357, ClinGen allele CA516688408.

ClinVar aggregate classification (germline): Likely benign (1 of 4 stars; one submission).

Submission:

CeGaT Center for Human Genetics Tuebingen
Classification: Likely benign. Last evaluated: 2022-05-01. Review status: criteria provided, single submitter. Criteria: CeGaT Center For Human Genetics Tuebingen Variant Classification Criteria Version 2. Collection method: clinical testing. Allele origin: germline. Affected: yes. Observed: 1 variant allele.
Comment: IQSEC2: PM2:Supporting, BP4, BP7